The following is an entry in ClinVar:

NM_001130438.3(SPTAN1):c.2158C>T (p.His720Tyr)

Gene: SPTAN1 (spectrin alpha, non-erythrocytic 1; plus strand). Cytogenetic location: 9q34.11.
Variant type: single nucleotide variant.
Coding change: c.2158C>T on transcript NM_001130438.3 (MANE Select); coding-DNA position 2158, C replaced by T.
Protein change: p.His720Tyr; replaces histidine 720 with tyrosine.
Molecular consequence: missense variant.
Genome position (GRCh38, 1-based): chr9:128,583,934, C>T. VCF-style: chr9-128583934-C-T. GRCh37 (hg19) VCF-style: chr9-131346213-C-T.
Other names: c.2158C>T, p.His720Tyr (NM_001195532.2, NM_001363759.2, NM_001363765.2 and 5 more transcripts); c.2194C>T, p.His732Tyr (NM_001375312.2, NM_001375318.1); short protein forms H720Y, H732Y.
Identifiers: ClinVar variation 1000890 (VCV001000890.28), dbSNP rs191761167, ClinGen allele CA200380083.
Genomic context (GRCh38, chr9:128,583,934, plus strand): 5'-CACTTGGCTTCGGATGATTACGGCAAAGATCTTACCAATGTGCAGAACCTCCAGAAGAAA[C>T]ATGCACTGCTAGAGGCAGATGTGGCTGCTCACCAGGTAGTGTGAACTGGGGGCTGTGGTT-3'
Protein context (NP_001123910.1, residues 710-730): LTNVQNLQKK[His720Tyr]ALLEADVAAH

ClinVar aggregate classification (germline): Uncertain significance. Review status: criteria provided, multiple submitters, no conflicts (2 of 4 stars). 2 submissions from 2 submitters: Uncertain significance (2). Last evaluated 2025-02-24.

Conditions:
Early-infantile DEE. Also called: Early infantile epileptic encephalopathy with suppression bursts; Early infantile epileptic encephalopathy; Ohtahara syndrome. Identifiers: Orphanet 1934, MedGen C0393706, MONDO:0800491.

Allele frequency attached by ClinVar (database versions not stated): TOPMed below 0.00001; gnomAD 0.00001.
gnomAD v4.1: 2 of 1,614,080 alleles (0.00012%); highest among the groups gnomAD compares: Non-Finnish European, 0.000085%; no homozygotes.

Submissions (2):

Labcorp Genetics (formerly Invitae), Labcorp
Classification: Uncertain significance for Early-infantile DEE. Last evaluated: 2025-02-24. Review status: criteria provided, single submitter. Criteria: Invitae Variant Classification Sherloc (09022015). Collection method: clinical testing. Allele origin: germline.
Comment: This sequence change replaces histidine, which is basic and polar, with tyrosine, which is neutral and polar, at codon 720 of the SPTAN1 protein (p.His720Tyr). This variant is present in population databases (rs191761167, gnomAD 0.007%). This variant has not been reported in the literature in individuals affected with SPTAN1-related conditions. ClinVar contains an entry for this variant (Variation ID: 1000890). Invitae Evidence Modeling of protein sequence and biophysical properties (such as structural, functional, and spatial information, amino acid conservation, physicochemical variation, residue mobility, and thermodynamic stability) has been performed for this missense variant. However, the output from this modeling did not meet the statistical confidence thresholds required to predict the impact of this variant on SPTAN1 protein function. In summary, the available evidence is currently insufficient to determine the role of this variant in disease. Therefore, it has been classified as a Variant of Uncertain Significance.

CeGaT Center for Human Genetics Tuebingen
Classification: Uncertain significance. Last evaluated: 2024-05-01. Review status: criteria provided, single submitter. Criteria: CeGaT Center For Human Genetics Tuebingen Variant Classification Criteria Version 2. Collection method: clinical testing. Allele origin: germline. Affected: yes. Observed: 1 variant allele.
Comment: SPTAN1: PM2, PP3